The following is an entry in ClinVar:

NM_000836.4(GRIN2D):c.3893C>T (p.Pro1298Leu)

Gene: GRIN2D (glutamate ionotropic receptor NMDA type subunit 2D; plus strand). Cytogenetic location: 19q13.33.
Variant type: single nucleotide variant.
Coding change: c.3893C>T on transcript NM_000836.4 (MANE Select); coding-DNA position 3893, C replaced by T.
Protein change: p.Pro1298Leu; replaces proline 1298 with leucine.
Molecular consequence: missense variant.
Genome position (GRCh38, 1-based): chr19:48,443,819, C>T. VCF-style: chr19-48443819-C-T. GRCh37 (hg19) VCF-style: chr19-48947076-C-T.
Other names: short protein forms P1298L.
Identifiers: ClinVar variation 1313900 (VCV001313900.3), dbSNP rs1971343784, ClinGen allele CA406678841.
Genomic context (GRCh38, chr19:48,443,819, plus strand): 5'-GCCCTCGCGCCGCCCCTGCGCGCAGGCTTACCGGGCCCTCCCGCCACGCTCGCAGGTGTC[C>T]GCACGCCGCGCACTGGGGGCCGCCGCTGCCCACAGCTTCCCACCGGAGACACCGGGGCGG-3'
Protein context (NP_000827.2, residues 1288-1308): TGPSRHARRC[Pro1298Leu]HAAHWGPPLP

ClinVar aggregate classification (germline): Uncertain significance. Review status: criteria provided, multiple submitters, no conflicts (2 of 4 stars). 2 submissions from 2 submitters: Uncertain significance (2). Last evaluated 2025-04-08.

Conditions:
Inborn genetic diseases. Identifiers: MedGen C0950123, MeSH D030342.

Allele frequency attached by ClinVar (database versions not stated): TOPMed below 0.00001.

Submissions (2):

Ambry Genetics
Classification: Uncertain significance for Inborn genetic diseases. Last evaluated: 2025-04-08. Review status: criteria provided, single submitter. Criteria: Ambry Variant Classification Scheme 2023. Collection method: clinical testing. Allele origin: germline.

GeneDx
Classification: Uncertain significance. Last evaluated: 2021-01-08. Review status: criteria provided, single submitter. Criteria: GeneDx Variant Classification Process June 2021. Collection method: clinical testing. Allele origin: germline. Affected: yes.
Comment: Not observed in large population cohorts (Lek et al., 2016); In silico analysis supports that this missense variant does not alter protein structure/function; Has not been previously published as pathogenic or benign to our knowledge